The following is an entry in ClinVar:

ClinVar aggregate classification (germline): Likely pathogenic (1 of 4 stars; one submission).

Conditions:
von Willebrand disorder (VWD). Also called: Von Willebrand disease (hereditary or acquired); von Willebrand's disease; von Willebrand Diseases. Identifiers: MedGen C0042974, MeSH D014842, MONDO:0024574.

Submission:

Women's Health and Genetics/Laboratory Corporation of America, LabCorp
Classification: Likely pathogenic for von Willebrand disorder. Last evaluated: 2025-02-12. Review status: criteria provided, single submitter. Criteria: LabCorp Variant Classification Summary - May 2015. Collection method: clinical testing. Allele origin: germline.
Comment: Variant summary: VWF c.6799-1G>T is located in a canonical splice-site and is predicted to affect mRNA splicing resulting in a significantly altered protein due to either exon skipping, shortening, or inclusion of intronic material. Variants that disrupt the consensus splice site are a relatively common cause of aberrant splicing and loss of VWF function. Several computational tools predict a significant impact on normal splicing: Four predict the variant abolishes a 3' acceptor site. Three predict the variant creates a 3' acceptor site. However, these predictions have yet to be confirmed by functional studies. The variant was absent in 250428 control chromosomes (gnomAD). To our knowledge, no occurrence of c.6799-1G>T in individuals affected with Von Willebrand Disease and no experimental evidence demonstrating its impact on protein function have been reported. No submitters have cited clinical-significance assessments for this variant to ClinVar. Based on the evidence outlined above, the variant was classified as likely pathogenic.

NM_000552.5(VWF):c.6799-1G>T

Gene: VWF (von Willebrand factor; minus strand). Cytogenetic location: 12p13.31.
Variant type: single nucleotide variant.
Coding change: c.6799-1G>T on transcript NM_000552.5 (MANE Select); the canonical splice acceptor site of the intron before coding-DNA position 6799, G replaced by T.
Molecular consequence: splice acceptor variant.
Genome position (GRCh38, 1-based): chr12:5,985,666, C>A on the plus strand (G>T on the coding strand, the complement: VWF is on the minus strand). VCF-style: chr12-5985666-C-A. GRCh37 (hg19) VCF-style: chr12-6094832-C-A.
Identifiers: ClinVar variation 3768576 (VCV003768576.1).